The following is an entry in ClinVar:

NM_006393.3(NEBL):c.505_526dup (p.Glu176fs)

Gene: NEBL (nebulette; minus strand). Cytogenetic location: 10p12.31.
Variant type: Duplication.
Coding change: c.505_526dup on transcript NM_006393.3 (MANE Select); coding-DNA positions 505 to 526, 22 bases duplicated (GACACCCACACGTACAGTGCAG).
Protein change: p.Glu176fs; shifts the reading frame from glutamic acid 176.
Molecular consequence: frameshift variant. On other transcripts: intron variant (9).
Genome position (GRCh38, 1-based): chr10:20,869,796-20,869,817, CTGCACTGTACGTGTGGGTGTC duplicated on the plus strand (GACACCCACACGTACAGTGCAG on the coding strand, the reverse complement: NEBL is on the minus strand); duplicating any 22 consecutive bases within chr10:20,869,796-20,869,823 gives the same sequence; the c. name uses the placement nearest the transcript's 3' end. VCF-style (leftmost placement, unchanged base first): chr10-20869795-T-TCTGCACTGTACGTGTGGGTGTC. GRCh37 (hg19) VCF-style: chr10-21158724-T-TCTGCACTGTACGTGTGGGTGTC.
Other names: c.250-56877_250-56856dup (NM_001377326.1, NM_001377327.1, NM_001377328.1); c.358-56877_358-56856dup (NM_213569.2, NM_001173484.2, NM_001377322.1); c.301-56877_301-56856dup (NM_001377324.1); c.292-56877_292-56856dup (NM_001377325.1); c.310-56877_310-56856dup (NM_001377323.1); short protein forms E176fs.
Identifiers: ClinVar variation 2983553 (VCV002983553.3), dbSNP rs2492265211, ClinGen allele CA2608479502.
Genomic context (GRCh38, chr10:20,869,795, plus strand): 5'-GTTACATTGCTTATGATCTTAGAGATCTGGGTTGCCATCTTGATGTCTGGTCGGTCAAGT[T>TCTGCACTGTACGTGTGGGTGTC]CTGCACTGTACGTGTGGGTGTCCTGCACGTCTTTCCTATAAGAAATCTGATCAGAGACAG-3'

ClinVar aggregate classification (germline): Uncertain significance (1 of 4 stars; one submission).

Conditions:
Primary dilated cardiomyopathy (DCM). Also called: Dilated Cardiomyopathy. Identifiers: Orphanet 217604, MedGen C0007193, MeSH D002311, MONDO:0005021, HP:0001644. Inheritance: Various modes of inheritance.

Submission:

Labcorp Genetics (formerly Invitae), Labcorp
Classification: Uncertain significance for Primary dilated cardiomyopathy. Last evaluated: 2023-11-24. Review status: criteria provided, single submitter. Criteria: Invitae Variant Classification Sherloc (09022015). Collection method: clinical testing. Allele origin: germline.
Comment: This sequence change creates a premature translational stop signal (p.Glu176Glyfs*10) in the NEBL gene. It is expected to result in an absent or disrupted protein product. However, the current clinical and genetic evidence is not sufficient to establish whether loss-of-function variants in NEBL cause disease. This variant is not present in population databases (gnomAD no frequency). This variant has not been reported in the literature in individuals affected with NEBL-related conditions. In summary, the available evidence is currently insufficient to determine the role of this variant in disease. Therefore, it has been classified as a Variant of Uncertain Significance.